The following is an entry in ClinVar:

ClinVar aggregate classification (germline): Uncertain significance. Review status: criteria provided, multiple submitters, no conflicts (2 of 4 stars). 2 submissions from 2 submitters: Uncertain significance (2). Last evaluated 2023-08-21.

Conditions:
RECQL5-related disorder. Also called: RECQL5-related condition.

Allele frequency attached by ClinVar (database versions not stated): TOPMed 0.00003; gnomAD 0.00004; gnomAD exomes 0.00004; ESP Exome Variant Server 0.00016.
gnomAD v4.1: 58 of 1,561,006 alleles (0.0037%); highest among the groups gnomAD compares: East Asian, 0.014%; no homozygotes.

Submissions (2):

Ambry Genetics
Classification: Uncertain significance. Last evaluated: 2023-08-21. Review status: criteria provided, single submitter. Criteria: Ambry Variant Classification Scheme 2023. Collection method: clinical testing. Allele origin: germline.

PreventionGenetics, part of Exact Sciences
Classification: Uncertain significance for RECQL5-related condition. Last evaluated: 2022-09-29. Review status: criteria provided, single submitter. Criteria: ACMG Guidelines, 2015. Collection method: clinical testing. Allele origin: germline.
Comment: The RECQL5 c.1741G>A variant is predicted to result in the amino acid substitution p.Val581Met. To our knowledge, this variant has not been reported in the literature. This variant is reported in 0.028% of alleles in individuals of East Asian descent in gnomAD. At this time, the clinical significance of this variant is uncertain due to the absence of conclusive functional and genetic evidence.

NM_004259.7(RECQL5):c.1741G>A (p.Val581Met)

Gene: RECQL5 (RecQ like helicase 5; minus strand). Cytogenetic location: 17q25.1.
Variant type: single nucleotide variant.
Coding change: c.1741G>A on transcript NM_004259.7 (MANE Select); coding-DNA position 1741, G replaced by A.
Protein change: p.Val581Met; replaces valine 581 with methionine.
Molecular consequence: missense variant.
Genome position (GRCh38, 1-based): chr17:75,630,255, C>T on the plus strand (G>A on the coding strand, the complement: RECQL5 is on the minus strand). VCF-style: chr17-75630255-C-T. GRCh37 (hg19) VCF-style: chr17-73626335-C-T.
Other names: short protein forms V581M.
Identifiers: ClinVar variation 2594183 (VCV002594183.3), dbSNP rs201838121, ClinGen allele CA8767282.